The following is an entry in ClinVar:

ClinVar aggregate classification (germline): Benign/Likely benign. Review status: criteria provided, multiple submitters, no conflicts (2 of 4 stars). 2 submissions from 2 submitters: Benign (1); Likely benign (1). Last evaluated 2022-06-01.

Allele frequency attached by ClinVar (database versions not stated): gnomAD exomes 0.00040; ExAC 0.00054; 1000 Genomes Project 30x 0.00125; gnomAD 0.00157 and 0.00159; ESP Exome Variant Server 0.00131; 1000 Genomes Project 0.00140; TOPMed 0.00178.
gnomAD v4.1: 436 of 1,613,394 alleles (0.027%); highest among the groups gnomAD compares: African/African-American, 0.52%; 1 homozygote.

Submissions (2):

CeGaT Center for Human Genetics Tuebingen
Classification: Likely benign. Last evaluated: 2022-06-01. Review status: criteria provided, single submitter. Criteria: CeGaT Center For Human Genetics Tuebingen Variant Classification Criteria Version 2. Collection method: clinical testing. Allele origin: germline. Affected: yes. Observed: 1 variant allele.
Comment: COL14A1: BP4, BP7

Labcorp Genetics (formerly Invitae), Labcorp
Classification: Benign. Last evaluated: 2018-08-20. Review status: criteria provided, single submitter. Criteria: Invitae Variant Classification Sherloc (09022015). Collection method: clinical testing. Allele origin: germline.

NM_021110.4(COL14A1):c.1581G>A (p.Thr527=)

Gene: COL14A1 (collagen type XIV alpha 1 chain; plus strand). Cytogenetic location: 8q24.12.
Variant type: single nucleotide variant.
Coding change: c.1581G>A on transcript NM_021110.4 (MANE Select); coding-DNA position 1581, G replaced by A.
Protein change: p.Thr527=; no amino-acid change (threonine 527 retained).
Molecular consequence: synonymous variant.
Genome position (GRCh38, 1-based): chr8:120,212,561, G>A. VCF-style: chr8-120212561-G-A. GRCh37 (hg19) VCF-style: chr8-121224800-G-A.
Identifiers: ClinVar variation 746766 (VCV000746766.27), dbSNP rs114701864, ClinGen allele CA4858914.